The following is an entry in ClinVar:

NM_014984.4(CEP131):c.1917G>A (p.Lys639=)

Gene: CEP131 (centrosomal protein 131; minus strand). Cytogenetic location: 17q25.3.
Variant type: single nucleotide variant.
Coding change: c.1917G>A on transcript NM_014984.4 (MANE Select); coding-DNA position 1917, G replaced by A.
Protein change: p.Lys639=; no amino-acid change (lysine 639 retained).
Molecular consequence: synonymous variant.
Genome position (GRCh38, 1-based): chr17:81,195,934, C>T on the plus strand (G>A on the coding strand, the complement: CEP131 is on the minus strand). VCF-style: chr17-81195934-C-T. GRCh37 (hg19) VCF-style: chr17-79169734-C-T.
Other names: c.1917G>A, p.Lys639= (NM_001009811.4); c.1926G>A, p.Lys642= (NM_001319228.2, NM_001319229.2).
Identifiers: ClinVar variation 2648437 (VCV002648437.24), dbSNP rs118151864, ClinGen allele CA8829620.

ClinVar aggregate classification (germline): Likely benign (1 of 4 stars; one submission).

Allele frequency attached by ClinVar (database versions not stated): 1000 Genomes Project 0.00300; 1000 Genomes Project 30x 0.00328; TOPMed 0.00414; ESP Exome Variant Server 0.00470.
gnomAD v4.1: 9,293 of 1,609,664 alleles (0.58%); highest among the groups gnomAD compares: Middle Eastern, 1.5%; 47 homozygotes.

Submission:

CeGaT Center for Human Genetics Tuebingen
Classification: Likely benign. Last evaluated: 2023-01-01. Review status: criteria provided, single submitter. Criteria: CeGaT Center For Human Genetics Tuebingen Variant Classification Criteria Version 2. Collection method: clinical testing. Allele origin: germline. Affected: yes. Observed: 1 variant allele.
Comment: CEP131: BP4, BP7, BS2